The following is an entry in ClinVar:

ClinVar aggregate classification (germline): Benign (1 of 4 stars; one submission).

Allele frequency attached by ClinVar (database versions not stated): ExAC 0.02766; gnomAD exomes 0.09337.

Submission:

GeneDx
Classification: Benign. Last evaluated: 2018-06-13. Review status: criteria provided, single submitter. Criteria: GeneDx Variant Classification (06012015). Collection method: clinical testing. Allele origin: germline. Affected: yes.
Comment: This variant is considered likely benign or benign based on one or more of the following criteria: it is a conservative change, it occurs at a poorly conserved position in the protein, it is predicted to be benign by multiple in silico algorithms, and/or has population frequency not consistent with disease.

NM_000260.4(MYO7A):c.1004-32T>C

Gene: MYO7A (myosin VIIA; plus strand). Cytogenetic location: 11q13.5.
Variant type: single nucleotide variant.
Coding change: c.1004-32T>C on transcript NM_000260.4 (MANE Select); 32 bases into the intron before coding-DNA position 1004, T replaced by C.
Molecular consequence: intron variant.
Genome position (GRCh38, 1-based): chr11:77,159,415, T>C. VCF-style: chr11-77159415-T-C. GRCh37 (hg19) VCF-style: chr11-76870461-T-C.
Other names: c.971-32T>C (NM_001369365.1); c.1004-32T>C (NM_001127180.2).
Identifiers: ClinVar variation 679374 (VCV000679374.1), dbSNP rs782322410, ClinGen allele CA6197337.